The following is an entry in ClinVar:

NM_000081.4(LYST):c.5195T>C (p.Val1732Ala)

Gene: LYST (lysosomal trafficking regulator; minus strand). Cytogenetic location: 1q42.3.
Variant type: single nucleotide variant.
Coding change: c.5195T>C on transcript NM_000081.4 (MANE Select); coding-DNA position 5195, T replaced by C.
Protein change: p.Val1732Ala; replaces valine 1732 with alanine.
Molecular consequence: missense variant.
Genome position (GRCh38, 1-based): chr1:235,780,884, A>G on the plus strand (T>C on the coding strand, the complement: LYST is on the minus strand). VCF-style: chr1-235780884-A-G. GRCh37 (hg19) VCF-style: chr1-235944184-A-G.
Other names: c.5195T>C, p.Val1732Ala (NM_001301365.1); short protein forms V1732A.
Identifiers: ClinVar variation 2037090 (VCV002037090.4), dbSNP rs746374310, ClinGen allele CA1466677.

ClinVar aggregate classification (germline): Uncertain significance. Review status: criteria provided, multiple submitters, no conflicts (2 of 4 stars). 2 submissions from 2 submitters: Uncertain significance (2). Last evaluated 2025-01-06.

Conditions:
Chédiak-Higashi syndrome (CHS). Also called: Chediak-Higashi Syndrome. Identifiers: Orphanet 167, MedGen C0007965, MONDO:0008963, OMIM 214500.
Inborn genetic diseases. Identifiers: MedGen C0950123, MeSH D030342.

Allele frequency attached by ClinVar (database versions not stated): ExAC 0.00002; gnomAD 0.00002; gnomAD exomes 0.00002; TOPMed 0.00003.
gnomAD v4.1: 35 of 1,525,064 alleles (0.0023%); highest among the groups gnomAD compares: Non-Finnish European, 0.003%; no homozygotes.

Submissions (2):

Labcorp Genetics (formerly Invitae), Labcorp
Classification: Uncertain significance for Chédiak-Higashi syndrome. Last evaluated: 2025-01-06. Review status: criteria provided, single submitter. Criteria: Invitae Variant Classification Sherloc (09022015). Collection method: clinical testing. Allele origin: germline.
Comment: This sequence change replaces valine, which is neutral and non-polar, with alanine, which is neutral and non-polar, at codon 1732 of the LYST protein (p.Val1732Ala). This variant is present in population databases (rs746374310, gnomAD 0.002%). This variant has not been reported in the literature in individuals affected with LYST-related conditions. ClinVar contains an entry for this variant (Variation ID: 2037090). Invitae Evidence Modeling of protein sequence and biophysical properties (such as structural, functional, and spatial information, amino acid conservation, physicochemical variation, residue mobility, and thermodynamic stability) indicates that this missense variant is not expected to disrupt LYST protein function with a negative predictive value of 80%. In summary, the available evidence is currently insufficient to determine the role of this variant in disease. Therefore, it has been classified as a Variant of Uncertain Significance.

Ambry Genetics
Classification: Uncertain significance for Inborn genetic diseases. Last evaluated: 2021-04-21. Review status: criteria provided, single submitter. Criteria: Ambry Variant Classification Scheme 2023. Collection method: clinical testing. Allele origin: germline.
Comment: The c.5195T>C (p.V1732A) alteration is located in exon 16 (coding exon 14) of the LYST gene. This alteration results from a T to C substitution at nucleotide position 5195, causing the valine (V) at amino acid position 1732 to be replaced by an alanine (A). The p.V1732A alteration is predicted to be tolerated by in silico analysis. Based on insufficient or conflicting evidence, the clinical significance of this alteration remains unclear.